The following is an entry in ClinVar:

ClinVar aggregate classification (germline): Pathogenic (1 of 4 stars; one submission).

Submission:

Labcorp Genetics (formerly Invitae), Labcorp
Classification: Pathogenic. Last evaluated: 2022-09-25. Review status: criteria provided, single submitter. Criteria: Invitae Variant Classification Sherloc (09022015). Collection method: clinical testing. Allele origin: germline.
Comment: This sequence change creates a premature translational stop signal (p.Ile355Thrfs*29) in the LRP5 gene. It is expected to result in an absent or disrupted protein product. Loss-of-function variants in LRP5 are known to be pathogenic (PMID: 11719191, 16252235, 25711638). This variant is not present in population databases (gnomAD no frequency). This variant has not been reported in the literature in individuals affected with LRP5-related conditions. For these reasons, this variant has been classified as Pathogenic.

Literature cited by the submitters: PubMed 11719191; PubMed 16252235; PubMed 25711638.

NM_002335.4(LRP5):c.1064del (p.Ile355fs)

Gene: LRP5 (LDL receptor related protein 5; plus strand). Cytogenetic location: 11q13.2.
Variant type: Deletion.
Coding change: c.1064del on transcript NM_002335.4 (MANE Select); coding-DNA position 1064, one base deleted (T; older notation c.1064delT).
Protein change: p.Ile355fs; shifts the reading frame from isoleucine 355.
Molecular consequence: frameshift variant. On other transcripts: 5 prime UTR variant (1).
Genome position (GRCh38, 1-based): chr11:68,386,364, T deleted. VCF-style (leftmost placement, unchanged base first): chr11-68386363-AT-A. GRCh37 (hg19) VCF-style: chr11-68153831-AT-A.
Other names: c.-702del (NM_001291902.2); short protein forms I355fs.
Identifiers: ClinVar variation 2032566 (VCV002032566.4), dbSNP rs2496597497, ClinGen allele CA2580084692.